The following is an entry in ClinVar:

NM_002875.5(RAD51):c.186T>G (p.Asn62Lys)

Gene: RAD51 (RAD51 recombinase; plus strand). Cytogenetic location: 15q15.1.
Variant type: single nucleotide variant.
Coding change: c.186T>G on transcript NM_002875.5 (MANE Select); coding-DNA position 186, T replaced by G.
Protein change: p.Asn62Lys; replaces asparagine 62 with lysine.
Molecular consequence: missense variant.
Genome position (GRCh38, 1-based): chr15:40,701,162, T>G. VCF-style: chr15-40701162-T-G. GRCh37 (hg19) VCF-style: chr15-40993360-T-G.
Other names: c.186T>G, p.Asn62Lys (NM_001164269.2, NM_001164270.2, NM_133487.4); short protein forms N62K.
Identifiers: ClinVar variation 3312358 (VCV003312358.1).
Genomic context (GRCh38, chr15:40,701,162, plus strand): 5'-AGAAGCTGGATTCCATACTGTGGAGGCTGTTGCCTATGCGCCAAAGAAGGAGCTAATAAA[T>G]ATTAAGGGAATTAGTGAAGCCAAAGCTGATAAAATTCTGGTAAGTACTGCTTACTTAACC-3'
Protein context (NP_002866.2, residues 52-72): VAYAPKKELI[Asn62Lys]IKGISEAKAD

ClinVar aggregate classification (germline): Uncertain significance (1 of 4 stars; one submission).

Conditions:
Inborn genetic diseases. Identifiers: MedGen C0950123, MeSH D030342.

Submission:

Ambry Genetics
Classification: Uncertain significance for Inborn genetic diseases. Last evaluated: 2024-04-12. Review status: criteria provided, single submitter. Criteria: Ambry Variant Classification Scheme 2023. Collection method: clinical testing. Allele origin: germline.
Comment: The p.N62K variant (also known as c.186T>G), located in coding exon 2 of the RAD51 gene, results from a T to G substitution at nucleotide position 186. The asparagine at codon 62 is replaced by lysine, an amino acid with similar properties. This amino acid position is conserved. In addition, this alteration is predicted to be tolerated by in silico analysis. Based on the available evidence, the clinical significance of this variant remains unclear.